The following is an entry in ClinVar:

NM_172362.3(KCNH1):c.2942C>G (p.Ser981Ter)

Gene: KCNH1 (potassium voltage-gated channel subfamily H member 1; minus strand). Cytogenetic location: 1q32.2.
Variant type: single nucleotide variant.
Coding change: c.2942C>G on transcript NM_172362.3 (MANE Select); coding-DNA position 2942, C replaced by G.
Protein change: p.Ser981Ter; replaces serine 981 with a stop codon.
Molecular consequence: nonsense.
Genome position (GRCh38, 1-based): chr1:210,683,309, G>C on the plus strand (C>G on the coding strand, the complement: KCNH1 is on the minus strand). VCF-style: chr1-210683309-G-C. GRCh37 (hg19) VCF-style: chr1-210856651-G-C.
Other names: c.2861C>G, p.Ser954Ter (NM_002238.4); short protein forms S954*, S981*.
Identifiers: ClinVar variation 1395202 (VCV001395202.7), dbSNP rs145248227, ClinGen allele CA1379557.
Genomic context (GRCh38, chr1:210,683,309, plus strand): 5'-TCTGTCTCTGACTTTTTTTTTAAATAGACCTCTCAGCTGGCTCCAAAAATGTCTCTCTCT[G>C]ATTCTGGGGACTGTGGCCTCGATATTTCAAACAACTCCTGAGGAGACTGAGAGGATCTTC-3'

ClinVar aggregate classification (germline): Likely benign. Review status: criteria provided, multiple submitters, no conflicts (2 of 4 stars). 2 submissions from 2 submitters: Likely benign (2). Last evaluated 2026-01-18.

Allele frequency attached by ClinVar (database versions not stated): ESP Exome Variant Server 0.00008.
gnomAD v4.1: 36 of 1,613,768 alleles (0.0022%); highest among the groups gnomAD compares: Admixed American, 0.005%; no homozygotes.

Submissions (2):

Labcorp Genetics (formerly Invitae), Labcorp
Classification: Likely benign. Last evaluated: 2026-01-18. Review status: criteria provided, single submitter. Criteria: Invitae Variant Classification Sherloc (09022015). Collection method: clinical testing. Allele origin: germline.

Women's Health and Genetics/Laboratory Corporation of America, LabCorp
Classification: Likely benign. Last evaluated: 2023-12-08. Review status: criteria provided, single submitter. Criteria: LabCorp Variant Classification Summary - May 2015. Collection method: clinical testing. Allele origin: germline.
Comment: Variant summary: KCNH1 c.2942C>G (p.Ser981X) results in a premature termination codon and is not expected to undergo nonsense mediated decay, but is predicted to cause a truncation of the encoded protein, however the molecular mechanism of disease attributed to KCNH1 is gain-of-function. The variant allele was found at a frequency of 2.2e-05 in 1613768 control chromosomes (i.e. 36 individuals) in the gnomAD database (v4.0), suggesting it is not likely to be associated with a highly penetrant autosomal dominant condition. c.2942C>G has been reported in the literature in an individual with autism, without strong evidence for causality (Wilfert_2021). This report does not provide unequivocal conclusions about association of the variant with KCNH1-Related Disorders. To our knowledge, no experimental evidence demonstrating an impact on protein function has been reported. The following publication has been ascertained in the context of this evaluation (PMID: 34312540). One submitter has cited a clinical-significance assessment for this variant to ClinVar after 2014 and has classified the variant as likely benign. Based on the evidence outlined above, the variant was classified as likely benign.

Literature cited by the submitters: PubMed 34312540 (cited by Women's Health and Genetics/Laboratory Corporation of America, LabCorp).